The following is an entry in ClinVar:

ClinVar aggregate classification (germline): Pathogenic (0 of 4 stars; one submission).

Conditions:
Fanconi anemia complementation group A (FANCA). Also called: Fanconi anemia, group A; FANCA-Related Fanconi Anemia. Identifiers: Orphanet 84, MedGen C3469521, MONDO:0009215, OMIM 227650.

Submission:

Leiden Open Variation Database
Classification: Pathogenic for Fanconi anemia complementation group A. Last evaluated: 2020-02-28. Review status: no assertion criteria provided. Collection method: curation. Allele origin: germline. Affected: yes.
Comment: Curator: Arleen D. Auerbach. Submitter to LOVD: Arleen D. Auerbach.

Literature cited by the submitters: PubMed 25168418.

NC_000016.9:g.88257445_88409236del

Variant type: Deletion.
Identifiers: ClinVar variation 974366 (VCV000974366.1).